The following is an entry in ClinVar:

ClinVar aggregate classification (germline): Likely pathogenic (1 of 4 stars; one submission).

Conditions:
Aicardi-Goutieres syndrome 5. Identifiers: Orphanet 51, MedGen C2749659, MONDO:0013059, OMIM 612952.

Submission:

Labcorp Genetics (formerly Invitae), Labcorp
Classification: Likely pathogenic for Aicardi-Goutieres syndrome 5. Last evaluated: 2022-11-14. Review status: criteria provided, single submitter. Criteria: Invitae Variant Classification Sherloc (09022015). Collection method: clinical testing. Allele origin: germline.
Comment: In summary, the currently available evidence indicates that the variant is pathogenic, but additional data are needed to prove that conclusively. Therefore, this variant has been classified as Likely Pathogenic. This variant has not been reported in the literature in individuals affected with SAMHD1-related conditions. This variant results in a copy number gain of the genomic region encompassing exon(s) 4 of the SAMHD1 gene. While the exact position of this variant cannot be determined from the data, sub-genic copy number gains are generally in tandem (PMID: 25640679). This variant is predicted to be out-of-frame, and may result in an absent or disrupted protein product. Loss-of-function variants in SAMHD1 are known to be pathogenic (PMID: 19525956, 22461318).

Literature cited by the submitters: PubMed 25640679; PubMed 19525956; PubMed 22461318.

NC_000020.10:g.(?_35563422)_(35563602_?)dup

Gene: SAMHD1 (SAM and HD domain containing deoxynucleoside triphosphate triphosphohydrolase 1; minus strand). Cytogenetic location: 20q11.23.
Variant type: Duplication.
Identifiers: ClinVar variation 1520359 (VCV001520359.5).